The following is an entry in ClinVar:

ClinVar aggregate classification (germline): Uncertain significance (1 of 4 stars; one submission).

Conditions:
Charcot-Marie-Tooth disease, type I (CMT1). Also called: Charcot-Marie-Tooth, Type 1; Charcot-Marie-Tooth disease type 1. Identifiers: Orphanet 65753, MedGen C0751036, MONDO:0019011.

gnomAD v4.1: 2 of 1,588,928 alleles (0.00013%); highest among the groups gnomAD compares: Non-Finnish European, 0.00017%; no homozygotes.

Submission:

Labcorp Genetics (formerly Invitae), Labcorp
Classification: Uncertain significance for Charcot-Marie-Tooth disease, type I. Last evaluated: 2024-03-17. Review status: criteria provided, single submitter. Criteria: Invitae Variant Classification Sherloc (09022015). Collection method: clinical testing. Allele origin: germline.
Comment: This sequence change replaces isoleucine, which is neutral and non-polar, with asparagine, which is neutral and polar, at codon 13 of the MPZ protein (p.Ile13Asn). This variant is not present in population databases (gnomAD no frequency). This variant has not been reported in the literature in individuals affected with MPZ-related conditions. Experimental studies and prediction algorithms are not available or were not evaluated, and the functional significance of this variant is currently unknown. In summary, the available evidence is currently insufficient to determine the role of this variant in disease. Therefore, it has been classified as a Variant of Uncertain Significance.

NM_000530.8(MPZ):c.38T>A (p.Ile13Asn)

Gene: MPZ (myelin protein zero; minus strand). Cytogenetic location: 1q23.3.
Variant type: single nucleotide variant.
Coding change: c.38T>A on transcript NM_000530.8 (MANE Select); coding-DNA position 38, T replaced by A.
Protein change: p.Ile13Asn; replaces isoleucine 13 with asparagine.
Molecular consequence: missense variant.
Genome position (GRCh38, 1-based): chr1:161,309,868, A>T on the plus strand (T>A on the coding strand, the complement: MPZ is on the minus strand). VCF-style: chr1-161309868-A-T. GRCh37 (hg19) VCF-style: chr1-161279658-A-T.
Other names: c.38T>A, p.Ile13Asn (NM_001315491.2); short protein forms I13N.
Identifiers: ClinVar variation 3701126 (VCV003701126.2).